The following is an entry in ClinVar:

NM_020247.5(COQ8A):c.1723C>G (p.Pro575Ala)

Gene: COQ8A (coenzyme Q8A; plus strand). Cytogenetic location: 1q42.13.
Variant type: single nucleotide variant.
Coding change: c.1723C>G on transcript NM_020247.5 (MANE Select); coding-DNA position 1723, C replaced by G.
Protein change: p.Pro575Ala; replaces proline 575 with alanine.
Molecular consequence: missense variant.
Genome position (GRCh38, 1-based): chr1:226,986,516, C>G. VCF-style: chr1-226986516-C-G. GRCh37 (hg19) VCF-style: chr1-227174217-C-G.
Other names: short protein forms P575A.
Identifiers: ClinVar variation 2128052 (VCV002128052.4), dbSNP rs1260803772, ClinGen allele CA345056798.

ClinVar aggregate classification (germline): Uncertain significance (1 of 4 stars; one submission).

Allele frequency attached by ClinVar (database versions not stated): TOPMed 0.00001.
gnomAD v4.1: 2 of 1,613,786 alleles (0.00012%); highest among the groups gnomAD compares: Admixed American, 0.0017%; no homozygotes.

Submission:

Labcorp Genetics (formerly Invitae), Labcorp
Classification: Uncertain significance. Last evaluated: 2022-05-27. Review status: criteria provided, single submitter. Criteria: Invitae Variant Classification Sherloc (09022015). Collection method: clinical testing. Allele origin: germline.
Comment: This sequence change replaces proline, which is neutral and non-polar, with alanine, which is neutral and non-polar, at codon 575 of the COQ8A protein (p.Pro575Ala). This variant has not been reported in the literature in individuals affected with COQ8A-related conditions. Advanced modeling of protein sequence and biophysical properties (such as structural, functional, and spatial information, amino acid conservation, physicochemical variation, residue mobility, and thermodynamic stability) performed at Invitae indicates that this missense variant is not expected to disrupt COQ8A protein function. This variant is present in population databases (no rsID available, gnomAD 0.003%). In summary, the available evidence is currently insufficient to determine the role of this variant in disease. Therefore, it has been classified as a Variant of Uncertain Significance.